The following is an entry in ClinVar:

NM_152383.5(DIS3L2):c.84T>G (p.Ile28Met)

Gene: DIS3L2 (DIS3 like 3'-5' exoribonuclease 2; plus strand). Cytogenetic location: 2q37.1.
Variant type: single nucleotide variant.
Coding change: c.84T>G on transcript NM_152383.5 (MANE Select); coding-DNA position 84, T replaced by G.
Protein change: p.Ile28Met; replaces isoleucine 28 with methionine.
Molecular consequence: missense variant. On other transcripts: non-coding transcript variant (2).
Genome position (GRCh38, 1-based): chr2:232,015,545, T>G. VCF-style: chr2-232015545-T-G. GRCh37 (hg19) VCF-style: chr2-232880255-T-G.
Other names: c.84T>G, p.Ile28Met (NM_001257281.2, NM_001257282.2); short protein forms I28M.
Identifiers: ClinVar variation 1493947 (VCV001493947.8), dbSNP rs2106221571, ClinGen allele CA351151869.

ClinVar aggregate classification (germline): Uncertain significance (1 of 4 stars; one submission).

Conditions:
Perlman syndrome (PRLMNS). Identifiers: Orphanet 2849, MedGen C0796113, MONDO:0009965, OMIM 267000.

Allele frequency attached by ClinVar (database versions not stated): gnomAD exomes below 0.00001.
gnomAD v4.1: 1 of 1,614,072 alleles (0.000062%); highest among the groups gnomAD compares: Non-Finnish European, 0.000085%; no homozygotes.

Submission:

Labcorp Genetics (formerly Invitae), Labcorp
Classification: Uncertain significance for Perlman syndrome. Last evaluated: 2021-06-02. Review status: criteria provided, single submitter. Criteria: Invitae Variant Classification Sherloc (09022015). Collection method: clinical testing. Allele origin: germline.
Comment: This sequence change replaces isoleucine with methionine at codon 28 of the DIS3L2 protein (p.Ile28Met). The isoleucine residue is weakly conserved and there is a small physicochemical difference between isoleucine and methionine. This variant is not present in population databases (ExAC no frequency). This variant has not been reported in the literature in individuals with DIS3L2-related conditions. Algorithms developed to predict the effect of missense changes on protein structure and function are either unavailable or do not agree on the potential impact of this missense change (SIFT: "Deleterious"; PolyPhen-2: "Benign"; Align-GVGD: "Class C0"). In summary, the available evidence is currently insufficient to determine the role of this variant in disease. Therefore, it has been classified as a Variant of Uncertain Significance.